The following is an entry in ClinVar:

NM_001538.3(HSF4):c.-832G>A

Genes: FBXL8 (F-box and leucine rich repeat protein 8; plus strand), HSF4 (heat shock transcription factor 4; plus strand). Cytogenetic location: 16q22.1.
Variant type: single nucleotide variant.
Coding change: c.-832G>A on transcript NM_001538.3; 832 bases upstream of the start codon, G replaced by A.
Molecular consequence: missense variant (on NM_018378.3).
Genome position (GRCh38, 1-based): chr16:67,163,518, G>A. VCF-style: chr16-67163518-G-A. GRCh37 (hg19) VCF-style: chr16-67197421-G-A.
Other names: c.823G>A, p.Val275Ile (NM_018378.3); short protein forms V275I.
Identifiers: ClinVar variation 320165 (VCV000320165.8), dbSNP rs201963745, ClinGen allele CA8101554.

ClinVar aggregate classification (germline): Benign. Review status: criteria provided, multiple submitters, no conflicts (2 of 4 stars). 2 submissions from 2 submitters: Benign (2). Last evaluated 2018-01-13.

Conditions:
Cataract 5 multiple types (CTRCT5). Also called: Lamellar cataract; CATARACT 5, LAMELLAR; CATARACT, MARNER TYPE. Identifiers: Orphanet 91492, MedGen C0266537, MONDO:0007290, OMIM 116800, HP:0007971.

Allele frequency attached by ClinVar (database versions not stated): 1000 Genomes Project 0.00140; 1000 Genomes Project 30x 0.00109; gnomAD 0.00162 and 0.00148; TOPMed 0.00180; gnomAD exomes 0.00030 and 0.00013; ExAC 0.00055; ESP Exome Variant Server 0.00110.
gnomAD v4.1: 411 of 1,554,566 alleles (0.026%); highest among the groups gnomAD compares: African/African-American, 0.5%; 1 homozygote.

Submissions (2):

Illumina Laboratory Services, Illumina
Classification: Benign for Cataract 5 multiple types. Last evaluated: 2018-01-13. Review status: criteria provided, single submitter. Criteria: ICSL Variant Classification Criteria 13 December 2019. Collection method: clinical testing. Allele origin: germline.
Comment: This variant was observed in the ICSL laboratory as part of a predisposition screen in an ostensibly healthy population. It had not been previously curated by ICSL or reported in the Human Gene Mutation Database (HGMD: prior to June 1st, 2018), and was therefore a candidate for classification through an automated scoring system. Utilizing variant allele frequency, disease prevalence and penetrance estimates, and inheritance mode, an automated score was calculated to assess if this variant is too frequent to cause the disease. Based on the score and internal cut-off values, a variant classified as benign is not then subjected to further curation. The score for this variant resulted in a classification of benign for this disease.

Breakthrough Genomics
Classification: Benign. Review status: criteria provided, single submitter. Criteria: ACMG Guidelines, 2015. Collection method: not provided. Allele origin: germline. Inheritance: Unknown mechanism. Affected: yes.